The following is an entry in ClinVar:

ClinVar aggregate classification (germline): Benign (0 of 4 stars; one submission).

Conditions:
EFCAB5-related disorder. Also called: EFCAB5-related condition.

Allele frequency attached by ClinVar (database versions not stated): gnomAD 0.09848; 1000 Genomes Project 0.10184; ESP Exome Variant Server 0.10415; TOPMed 0.10873; 1000 Genomes Project 30x 0.11071.
gnomAD v4.1: 65,680 of 1,613,742 alleles (4.1%); highest among the groups gnomAD compares: African/African-American, 28%; 3,773 homozygotes.

Submission:

PreventionGenetics, part of Exact Sciences
Classification: Benign for EFCAB5-related condition. Last evaluated: 2020-02-14. Review status: no assertion criteria provided. Collection method: clinical testing. Allele origin: germline.
Comment: This variant is classified as benign based on ACMG/AMP sequence variant interpretation guidelines (Richards et al. 2015 PMID: 25741868, with internal and published modifications).

NM_198529.4(EFCAB5):c.1683G>T (p.Arg561Ser)

Gene: EFCAB5 (EF-hand calcium binding domain 5; plus strand). Cytogenetic location: 17q11.2.
Variant type: single nucleotide variant.
Coding change: c.1683G>T on transcript NM_198529.4 (MANE Select); coding-DNA position 1683, G replaced by T.
Protein change: p.Arg561Ser; replaces arginine 561 with serine.
Molecular consequence: missense variant. On other transcripts: non-coding transcript variant (1).
Genome position (GRCh38, 1-based): chr17:30,053,637, G>T. VCF-style: chr17-30053637-G-T. GRCh37 (hg19) VCF-style: chr17-28380655-G-T.
Other names: c.1515G>T, p.Arg505Ser (NM_001145053.2); short protein forms R505S, R561S.
Identifiers: ClinVar variation 3056518 (VCV003056518.2), dbSNP rs9900546, ClinGen allele CA8478839.
Genomic context (GRCh38, chr17:30,053,637, plus strand): 5'-ATCAGTAATAGAACCAGGAACACACACAGAGTCAACTCTAGAACAAGGGTCAAGTAGAAG[G>T]TTACTGACAGAACAAGAAACACACAGAGAGTCAACTACAGAACAAGGACAGCACAAAGGG-3'
Protein context (NP_940931.3, residues 551-571): ESTLEQGSSR[Arg561Ser]LLTEQETHRE